The following is an entry in ClinVar:

NM_001077653.2(TBX20):c.587T>C (p.Leu196Pro)

Gene: TBX20 (T-box transcription factor 20; minus strand). Cytogenetic location: 7p14.2.
Variant type: single nucleotide variant.
Coding change: c.587T>C on transcript NM_001077653.2 (MANE Select); coding-DNA position 587, T replaced by C.
Protein change: p.Leu196Pro; replaces leucine 196 with proline.
Molecular consequence: missense variant.
Genome position (GRCh38, 1-based): chr7:35,245,016, A>G on the plus strand (T>C on the coding strand, the complement: TBX20 is on the minus strand). VCF-style: chr7-35245016-A-G. GRCh37 (hg19) VCF-style: chr7-35284628-A-G.
Other names: c.587T>C, p.Leu196Pro (NM_001166220.1); short protein forms L196P.
Identifiers: ClinVar variation 1476833 (VCV001476833.8), dbSNP rs2128715264, ClinGen allele CA367264413.

ClinVar aggregate classification (germline): Uncertain significance (1 of 4 stars; one submission).

Submission:

Labcorp Genetics (formerly Invitae), Labcorp
Classification: Uncertain significance. Last evaluated: 2021-07-21. Review status: criteria provided, single submitter. Criteria: Invitae Variant Classification Sherloc (09022015). Collection method: clinical testing. Allele origin: germline.
Comment: In summary, the available evidence is currently insufficient to determine the role of this variant in disease. Therefore, it has been classified as a Variant of Uncertain Significance. Algorithms developed to predict the effect of missense changes on protein structure and function (SIFT, PolyPhen-2, Align-GVGD) all suggest that this variant is likely to be disruptive. This variant has not been reported in the literature in individuals affected with TBX20-related conditions. This variant is not present in population databases (ExAC no frequency). This sequence change replaces leucine with proline at codon 196 of the TBX20 protein (p.Leu196Pro). The leucine residue is highly conserved and there is a moderate physicochemical difference between leucine and proline.